The following is an entry in ClinVar:

NM_015346.4(ZFYVE26):c.7586C>G (p.Pro2529Arg)

Gene: ZFYVE26 (zinc finger FYVE-type containing 26; minus strand). Cytogenetic location: 14q24.1.
Variant type: single nucleotide variant.
Coding change: c.7586C>G on transcript NM_015346.4 (MANE Select); coding-DNA position 7586, C replaced by G.
Protein change: p.Pro2529Arg; replaces proline 2529 with arginine.
Molecular consequence: missense variant.
Genome position (GRCh38, 1-based): chr14:67,748,470, G>C on the plus strand (C>G on the coding strand, the complement: ZFYVE26 is on the minus strand). VCF-style: chr14-67748470-G-C. GRCh37 (hg19) VCF-style: chr14-68215187-G-C.
Other names: short protein forms P2529R.
Identifiers: ClinVar variation 313873 (VCV000313873.22), dbSNP rs143198225, ClinGen allele CA7238914.
Genomic context (GRCh38, chr14:67,748,470, plus strand): 5'-CGTGTTCCTGGCCCCACTGCCCAAGGTCACTTCCTGGAGCCTGGGCCATGGGCACCCCGG[G>C]GGTGGCTTGTCAGAAGCCACTGGGCACAGATGTCTTGCACTACTGCATCCCCGCTGCTCT-3'
Protein context (NP_056161.2, residues 2519-2539): ICAQWLLTSH[Pro2529Arg]RGAHGPGSRK

ClinVar aggregate classification (germline): Benign/Likely benign. Review status: criteria provided, multiple submitters, no conflicts (2 of 4 stars). 6 submissions from 6 submitters: Benign (3); Likely benign (3). Last evaluated 2026-01-27.

Conditions:
Hereditary spastic paraplegia. Also called: Familial spastic paraparesis. Identifiers: Orphanet 685, MedGen C0037773, MONDO:0019064. Disease mechanism: loss of function.
Spastic paraplegia. Identifiers: MedGen C0037772, HP:0001258.
Hereditary spastic paraplegia 15 (SPG15). Also called: SPASTIC PARAPLEGIA 15, AUTOSOMAL RECESSIVE; KJELLIN SYNDROME; SPASTIC PARAPLEGIA AND RETINAL DEGENERATION. Identifiers: Orphanet 100996, MedGen C1849128, MONDO:0010044, OMIM 270700.

Allele frequency attached by ClinVar (database versions not stated): ExAC 0.00138; ESP Exome Variant Server 0.00446; gnomAD 0.00510; TOPMed 0.00510; 1000 Genomes Project 0.00619; 1000 Genomes Project 30x 0.00640.
gnomAD v4.1: 1,464 of 1,612,892 alleles (0.091%); highest among the groups gnomAD compares: African/African-American, 1.5%; 15 homozygotes.

Submissions (6):

Labcorp Genetics (formerly Invitae), Labcorp
Classification: Benign for Spastic paraplegia. Last evaluated: 2026-01-27. Review status: criteria provided, single submitter. Criteria: Invitae Variant Classification Sherloc (09022015). Collection method: clinical testing. Allele origin: germline.

Genome-Nilou Lab
Classification: Benign for Hereditary spastic paraplegia 15. Last evaluated: 2021-12-05. Review status: criteria provided, single submitter. Criteria: ACMG Guidelines, 2015. Collection method: clinical testing. Allele origin: germline. Affected: no.

GeneDx
Classification: Benign. Last evaluated: 2019-12-04. Review status: criteria provided, single submitter. Criteria: GeneDx Variant Classification Process June 2021. Collection method: clinical testing. Allele origin: germline. Affected: yes.

Illumina Laboratory Services, Illumina
Classification: Likely benign for Hereditary spastic paraplegia 15. Last evaluated: 2018-01-13. Review status: criteria provided, single submitter. Criteria: ICSL Variant Classification Criteria 13 December 2019. Collection method: clinical testing. Allele origin: germline.
Comment: This variant was observed in the ICSL laboratory as part of a predisposition screen in an ostensibly healthy population. It had not been previously curated by ICSL or reported in the Human Gene Mutation Database (HGMD: prior to June 1st, 2018), and was therefore a candidate for classification through an automated scoring system. Utilizing variant allele frequency, disease prevalence and penetrance estimates, and inheritance mode, an automated score was calculated to assess if this variant is too frequent to cause the disease. Based on the score and internal cut-off values, a variant classified as likely benign is not then subjected to further curation. The score for this variant resulted in a classification of likely benign for this disease.

Genome Diagnostics Laboratory, The Hospital for Sick Children
Classification: Likely benign for Hereditary spastic paraplegia. Last evaluated: 2016-12-12. Review status: criteria provided, single submitter. Criteria: ACMG Guidelines, 2015. Collection method: clinical testing. Allele origin: germline. Affected: yes.

Breakthrough Genomics
Classification: Likely benign. Review status: criteria provided, single submitter. Criteria: ACMG Guidelines, 2015. Collection method: not provided. Allele origin: germline. Inheritance: Autosomal recessive inheritance. Affected: yes.